The following is an entry in ClinVar:

NM_015330.6(SPECC1L):c.2621C>T (p.Thr874Ile)

Genes: SPECC1L (sperm antigen with calponin homology and coiled-coil domains 1 like; plus strand), SPECC1L-ADORA2A (SPECC1L-ADORA2A readthrough (NMD candidate); plus strand). Cytogenetic location: 22q11.23.
Variant type: single nucleotide variant.
Coding change: c.2621C>T on transcript NM_015330.6 (MANE Select); coding-DNA position 2621, C replaced by T.
Protein change: p.Thr874Ile; replaces threonine 874 with isoleucine.
Molecular consequence: missense variant. On other transcripts: non-coding transcript variant (1).
Genome position (GRCh38, 1-based): chr22:24,338,446, C>T. VCF-style: chr22-24338446-C-T. GRCh37 (hg19) VCF-style: chr22-24734414-C-T.
Other names: c.2621C>T, p.Thr874Ile (NM_001145468.4, NM_001254732.3); short protein forms T874I.
Identifiers: ClinVar variation 1800662 (VCV001800662.2), dbSNP rs2041106878, ClinGen allele CA410955134.

ClinVar aggregate classification (germline): Uncertain significance (1 of 4 stars; one submission).

Allele frequency attached by ClinVar (database versions not stated): TOPMed below 0.00001.
gnomAD v4.1: 2 of 1,614,120 alleles (0.00012%); highest among the groups gnomAD compares: Non-Finnish European, 0.00017%; no homozygotes.

Submission:

GeneDx
Classification: Uncertain significance. Last evaluated: 2025-05-10. Review status: criteria provided, single submitter. Criteria: GeneDx Variant Classification Process June 2021. Collection method: clinical testing. Allele origin: germline.
Comment: Not observed at significant frequency in large population cohorts (gnomAD); In silico analysis supports that this missense variant has a deleterious effect on protein structure/function; Has not been previously published as pathogenic or benign to our knowledge